The following is an entry in ClinVar:

NM_001367857.2(SATL1):c.1428G>A (p.Arg476=)

Gene: SATL1 (spermidine/spermine N1-acetyl transferase like 1; minus strand). Cytogenetic location: Xq21.1.
Variant type: single nucleotide variant.
Coding change: c.1428G>A on transcript NM_001367857.2 (MANE Select); coding-DNA position 1428, G replaced by A.
Protein change: p.Arg476=; no amino-acid change (arginine 476 retained).
Molecular consequence: synonymous variant.
Genome position (GRCh38, 1-based): chrX:85,107,541, C>T on the plus strand (G>A on the coding strand, the complement: SATL1 is on the minus strand). VCF-style: chrX-85107541-C-T. GRCh37 (hg19) VCF-style: chrX-84362547-C-T.
Other names: c.1428G>A, p.Arg476= (NM_001012980.2, NM_001367858.2).
Identifiers: ClinVar variation 3044223 (VCV003044223.2), dbSNP rs140820288, ClinGen allele CA10464344.

ClinVar aggregate classification (germline): Benign (0 of 4 stars; one submission).

Conditions:
SATL1-related disorder. Also called: SATL1-related condition.

Allele frequency attached by ClinVar (database versions not stated): ExAC 0.00150; 1000 Genomes Project 0.00185; 1000 Genomes Project 30x 0.00229; gnomAD 0.00448; ESP Exome Variant Server 0.00530; TOPMed 0.00531.
gnomAD v4.1: 948 of 1,210,808 alleles (0.078%); highest among the groups gnomAD compares: African/African-American, 1.5%; 7 homozygotes.

Submission:

PreventionGenetics, part of Exact Sciences
Classification: Benign for SATL1-related condition. Last evaluated: 2019-06-07. Review status: no assertion criteria provided. Collection method: clinical testing. Allele origin: germline.
Comment: This variant is classified as benign based on ACMG/AMP sequence variant interpretation guidelines (Richards et al. 2015 PMID: 25741868, with internal and published modifications).